The following is an entry in ClinVar:

ClinVar aggregate classification (germline): Pathogenic (1 of 4 stars; one submission).

Conditions:
Developmental and epileptic encephalopathy, 12 (DEE12). Identifiers: MedGen C3150988, MONDO:0013389, OMIM 613722.

Submission:

Labcorp Genetics (formerly Invitae), Labcorp
Classification: Pathogenic for Developmental and epileptic encephalopathy, 12. Last evaluated: 2023-11-18. Review status: criteria provided, single submitter. Criteria: Invitae Variant Classification Sherloc (09022015). Collection method: clinical testing. Allele origin: germline.
Comment: This sequence change creates a premature translational stop signal (p.Glu13Argfs*26) in the PNKP gene. It is expected to result in an absent or disrupted protein product. Loss-of-function variants in PNKP are known to be pathogenic (PMID: 20118933, 25728773). This variant is not present in population databases (gnomAD no frequency). This variant has not been reported in the literature in individuals affected with PNKP-related conditions. For these reasons, this variant has been classified as Pathogenic.

Literature cited by the submitters: PubMed 20118933; PubMed 25728773.

NM_007254.4(PNKP):c.36del (p.Glu13fs)

Gene: PNKP (polynucleotide kinase 3'-phosphatase; minus strand). Cytogenetic location: 19q13.33.
Variant type: Deletion.
Coding change: c.36del on transcript NM_007254.4 (MANE Select); coding-DNA position 36, one base deleted (C; older notation c.36delC).
Protein change: p.Glu13fs; shifts the reading frame from glutamic acid 13.
Molecular consequence: frameshift variant.
Genome position (GRCh38, 1-based): chr19:49,867,169, G deleted on the plus strand (C on the coding strand, the reverse complement: PNKP is on the minus strand). VCF-style (leftmost placement, unchanged base first): chr19-49867168-CG-C. GRCh37 (hg19) VCF-style: chr19-50370425-CG-C.
Other names: short protein forms E13fs.
Identifiers: ClinVar variation 2697126 (VCV002697126.3), dbSNP rs2514644262, ClinGen allele CA2697556723.
Genomic context (GRCh38, chr19:49,867,168, plus strand): 5'-GGACCAGGGCTTGCCCGTCCGAGGGCAGGAAGATGGGGGGCGCTCCCCCAGGGGGGCTCT[CG>C]AGCCACAAGCGGCCCGGGGCCTCCACCTCGCCCATCCTGGGTGCCGGCCTGGGGAGCAGG-3'